The following is an entry in ClinVar:

ClinVar aggregate classification (germline): Likely benign (1 of 4 stars; one submission).

gnomAD v4.1: 2,870 of 1,600,312 alleles (0.18%); highest among the groups gnomAD compares: Non-Finnish European, 0.1%; 19 homozygotes.

Submission:

CeGaT Center for Human Genetics Tuebingen
Classification: Likely benign. Last evaluated: 2026-07-01. Review status: criteria provided, single submitter. Criteria: CeGaT Center For Human Genetics Tuebingen Variant Classification Criteria Version 2. Collection method: clinical testing. Allele origin: germline. Affected: yes. Observed: 2 variant alleles.
Comment: HEPHL1: BP4, BS2

NM_001098672.2(HEPHL1):c.1867+4T>C

Gene: HEPHL1 (hephaestin like 1; plus strand). Cytogenetic location: 11q21.
Variant type: single nucleotide variant.
Coding change: c.1867+4T>C on transcript NM_001098672.2 (MANE Select); 4 bases into the intron after coding-DNA position 1867, T replaced by C.
Molecular consequence: intron variant.
Genome position (GRCh38, 1-based): chr11:94,082,572, T>C. VCF-style: chr11-94082572-T-C. GRCh37 (hg19) VCF-style: chr11-93815738-T-C.
Identifiers: ClinVar variation 4083737 (VCV004083737.8).
Genomic context (GRCh38, chr11:94,082,572, plus strand): 5'-ATCCCTTCAGCATTGACAAAGAAGATAAAGAGTTTGTGAAATCCAACCGAATGCATGGTA[T>C]GACAAATGACATTCCCGCCTGTAAATGAAAGGCTGACTTGCATTAGAAGTGAAAATGATT-3'